The following is an entry in ClinVar:

ClinVar aggregate classification (germline): Uncertain significance. Review status: criteria provided, multiple submitters, no conflicts (2 of 4 stars). 12 submissions from 12 submitters: Uncertain significance (12). Last evaluated 2025-12-29.

Conditions:
Bone osteosarcoma. Also called: Osteosarcoma, somatic. Identifiers: Orphanet 668, MedGen C0585442, MONDO:0002629, OMIM 259500.
CHEK2-related cancer predisposition (TPDS4). Also called: CANCER PREDISPOSITION SYNDROME, CHEK2-RELATED; TUMOR PREDISPOSITION SYNDROME 4; CHEK2-related cancer susceptibility. Identifiers: Orphanet 524, MedGen C5882668, MONDO:0700271, OMIM 609265.
Prostate cancer. Also called: Malignant tumor of prostate. Identifiers: Orphanet 1331, MedGen C0376358, MONDO:0008315, HP:0012125.
Familial cancer of breast. Also called: hereditary breast carcinoma; BREAST CANCER, FAMILIAL; Hereditary breast cancer. Identifiers: Orphanet 227535, MedGen C0346153, MONDO:0016419, OMIM 114480. Disease mechanism: loss of function.
Colorectal cancer. Also called: Colorectal cancer, somatic; Malignant Colorectal Neoplasm. Identifiers: MedGen C0346629, MONDO:0005575, OMIM 114500.
Hereditary nonpolyposis colon cancer (HNPCC). Also called: Hereditary Nonpolyposis Colorectal Cancer Syndrome; Hereditary nonpolyposis colorectal cancer; Familial nonpolyposis colon cancer. Identifiers: Orphanet 443909, MedGen C1333990, MONDO:0018630. Disease mechanism: loss of function.
Hereditary cancer-predisposing syndrome. Also called: Hereditary neoplastic syndrome; Hereditary Cancer Syndrome; Neoplastic Syndromes, Hereditary; Tumor predisposition. Identifiers: Orphanet 140162, MedGen C0027672, MeSH D009386, MONDO:0015356.

Allele frequency attached by ClinVar (database versions not stated): gnomAD exomes 0.00001 and 0.00002; gnomAD 0.00007 and 0.00008; 1000 Genomes Project 0.00020; ExAC 0.00002; TOPMed 0.00006; 1000 Genomes Project 30x 0.00031.
gnomAD v4.1: 27 of 1,613,930 alleles (0.0017%); highest among the groups gnomAD compares: African/African-American, 0.0093%; no homozygotes.

Submissions (12):

Center for Genomic Medicine, Rigshospitalet, Copenhagen University Hospital
Classification: Uncertain significance. Last evaluated: 2025-12-29. Review status: criteria provided, single submitter. Criteria: ACMG Guidelines, 2015. Collection method: clinical testing. Allele origin: germline.

Labcorp Genetics (formerly Invitae), Labcorp
Classification: Uncertain significance for Familial cancer of breast. Last evaluated: 2025-12-29. Review status: criteria provided, single submitter. Criteria: Invitae Variant Classification Sherloc (09022015). Collection method: clinical testing. Allele origin: germline.
Comment: This sequence change replaces threonine, which is neutral and polar, with methionine, which is neutral and non-polar, at codon 45 of the CHEK2 protein (p.Thr45Met). This variant is present in population databases (rs558321010, gnomAD 0.01%). This missense change has been observed in individual(s) with pediatric acute lymphoblastic leukemia (PMID: 26580448, 32546565, 32832836). ClinVar contains an entry for this variant (Variation ID: 230559). An algorithm developed to predict the effect of missense changes on protein structure and function (PolyPhen-2) suggests that this variant is likely to be disruptive. Experimental studies have shown that this missense change does not substantially affect CHEK2 function (PMID: 37449874). In summary, the available evidence is currently insufficient to determine the role of this variant in disease. Therefore, it has been classified as a Variant of Uncertain Significance.

Quest Diagnostics Nichols Institute San Juan Capistrano
Classification: Uncertain significance. Last evaluated: 2025-08-26. Review status: criteria provided, single submitter. Criteria: Quest Diagnostics criteria. Collection method: clinical testing. Allele origin: unknown.
Comment: The CHEK2 c.134C>T (p.Thr45Met) variant has been reported in the published literature in individuals with breast cancer (PMID: 37449874 (2023), 33471991 (2021), see LOVD), colorectal cancer (PMID: 28944238 (2017)), and acute lymphoblastic leukemia (PMID: 26580448 (2015)). This variant has also been described in reportedly unaffected individuals (PMID: 37449874 (2023), 33471991 (2021), see LOVD). The frequency of this variant in the general population (Genome Aggregation Database) is uninformative in the assessment of its pathogenicity. Analysis of this variant using bioinformatics tools for the prediction of the effect of amino acid changes on protein structure and function yielded conflicting predictions that this variant is benign or damaging. Based on the available information, we are unable to determine the clinical significance of this variant.

Color Diagnostics, LLC DBA Color Health
Classification: Uncertain significance for Hereditary cancer-predisposing syndrome. Last evaluated: 2025-06-11. Review status: criteria provided, single submitter. Criteria: ACMG Guidelines, 2015. Collection method: clinical testing. Allele origin: germline.
Comment: This missense variant replaces threonine with methionine at codon 45 of the CHEK2 protein. Computational prediction suggests that this variant may not impact protein structure and function. To our knowledge, functional studies have not been reported for this variant. This variant has been reported in individuals affected with sarcoma (PMID: 27498913), colorectal cancer (PMID 28944238) and unspecified pediatric cancer (PMID: 26580448). This variant has been identified in 8/282548 chromosomes in the general population by the Genome Aggregation Database (gnomAD). The available evidence is insufficient to determine the role of this variant in disease conclusively. Therefore, this variant is classified as a Variant of Uncertain Significance.

Ambry Genetics
Classification: Uncertain significance for Hereditary cancer-predisposing syndrome. Last evaluated: 2024-12-02. Review status: criteria provided, single submitter. Criteria: Ambry Variant Classification Scheme 2023. Collection method: clinical testing. Allele origin: germline.
Comment: The p.T45M variant (also known as c.134C>T), located in coding exon 1 of the CHEK2 gene, results from a C to T substitution at nucleotide position 134. The threonine at codon 45 is replaced by methionine, an amino acid with similar properties. This alteration was detected in 1/6385 invasive epithelial ovarian cancer cases and 0/6115 controls of European ancestry (Song H et al. J Med Genet, 2021 May;58:305-313). This variant was also identified in a cohort of 3,579 African males diagnosed with prostate cancer who underwent multi-gene panel testing of 19 DNA repair and cancer predisposition genes (Matejcic M et al. JCO Precis Oncol, 2020 Jan;4:32-43). This alteration was reported as functional in a study assessing CHEK2-complementation through quantification of KAP1 phosphorylation and CHK2 autophosphorylation in human RPE1-CHEK2-knockout cells (Stolarova L et al. Clin Cancer Res, 2023 Aug;29:3037-3050). This amino acid position is well conserved in available vertebrate species. In addition, the in silico prediction for this alteration is inconclusive. Based on the available evidence, the clinical significance of this variant remains unclear.

Department of Pathology and Laboratory Medicine, Sinai Health System
Classification: Uncertain significance for hereditary nonpolyposis colon cancer. Last evaluated: 2024-09-16. Review status: criteria provided, single submitter. Criteria: ACMG Guidelines, 2015. Collection method: clinical testing. Allele origin: germline.

GeneDx
Classification: Uncertain significance. Last evaluated: 2024-09-10. Review status: criteria provided, single submitter. Criteria: GeneDx Variant Classification Process June 2021. Collection method: clinical testing. Allele origin: germline. Affected: yes.
Comment: Observed in individuals with breast, colorectal, prostate or other cancers and also in unaffected controls (PMID: 26580448, 27498913, 28944238, 32832836, 33471991, 32546565, 37449874); Published functional studies suggest a neutral effect: auto-phosphorylation and kinase activity comparable to wild type (PMID: 37449874); Not observed at significant frequency in large population cohorts (gnomAD); In silico analysis indicates that this missense variant does not alter protein structure/function; This variant is associated with the following publications: (PMID: 24448499, 27498913, 26580448, 28944238, 32832836, 33471991, 32546565, 37449874, 11733767, 22114986)

Baylor Genetics
Classification: Uncertain significance for Familial cancer of breast. Last evaluated: 2023-12-18. Review status: criteria provided, single submitter. Criteria: ACMG Guidelines, 2015. Collection method: clinical testing. Allele origin: unknown.

Blueprint Genetics
Classification: Uncertain significance. Last evaluated: 2023-09-08. Review status: criteria provided, single submitter. Criteria: ACMG Guidelines, 2015. Collection method: clinical testing. Allele origin: germline.

Fulgent Genetics
Classification: Uncertain significance for Familial cancer of breast; Colorectal cancer; Familial prostate cancer; Bone osteosarcoma; CHEK2-related cancer predisposition. Last evaluated: 2022-05-03. Review status: criteria provided, single submitter. Criteria: ACMG Guidelines, 2015. Collection method: clinical testing. Allele origin: unknown.

Sema4
Classification: Uncertain significance for Hereditary cancer-predisposing syndrome. Last evaluated: 2022-03-21. Review status: criteria provided, single submitter. Criteria: Sema4 Curation Guidelines. Collection method: curation. Allele origin: germline.
Comment: The CHEK2 c.134C>T (p.T45M) variant has been reported in heterozygosity in at least one individual with pediatric acute lymphoblastic leukemia (PMID: 26580448). It has been reported by a large case-control study in 2/60466 breast cancer cases and 2/53461 controls (PMID: 33471991). It was observed in 3/24932 chromosomes of the African/African American (AFR) subpopulation in the large and broad cohorts of the Genome Aggregation Database (PMID: 32461654). This variant has been reported in ClinVar (Variation ID 230559). Functional studies have not been performed, and in silico predictions of the variant's effect on protein function are inconclusive. The evidence is insufficient to meet ACMG/AMP criteria for classifying the variant as benign or pathogenic. Thus, the clinical significance of this variant is currently uncertain.

Women's Health and Genetics/Laboratory Corporation of America, LabCorp
Classification: Uncertain significance. Last evaluated: 2018-08-31. Review status: criteria provided, single submitter. Criteria: LabCorp Variant Classification Summary - May 2015. Collection method: clinical testing. Allele origin: germline.
Comment: Variant summary: CHEK2 c.134C>T (p.Thr45Met) results in a non-conservative amino acid change in the encoded protein sequence. Four of five in-silico tools predict a damaging effect of the variant on protein function. The variant allele was found at a frequency of 2.5e-05 in 276880 control chromosomes (gnomAD). The available data on variant occurrences in the general population are insufficient to allow any conclusion about variant significance. c.134C>T has been reported in the literature in an individual diagnosed with Hypodiploid ALL. This report does not provide an unequivocal conclusion about association of the variant with Hereditary Breast and Ovarian Cancer. To our knowledge, no experimental evidence demonstrating an impact on protein function has been reported. Three ClinVar submission from other clinical diagnostic laboratories (evaluation after 2014) cites the variant as uncertain significance. Based on the evidence outlined above, the variant was classified as uncertain significance.

Literature cited by the submitters: PubMed 26580448 (cited by 6 submitters); PubMed 32546565 (cited by 3 submitters); PubMed 32832836 (cited by 3 submitters); PubMed 37449874 (cited by 3 submitters); PubMed 33471991 (cited by 4 submitters); PubMed 28944238 (cited by 3 submitters); PubMed 27498913 (cited by Color Diagnostics, LLC DBA Color Health).

NM_007194.4(CHEK2):c.134C>T (p.Thr45Met)

Gene: CHEK2 (checkpoint kinase 2; minus strand). Cytogenetic location: 22q12.1.
Variant type: single nucleotide variant.
Coding change: c.134C>T on transcript NM_007194.4 (MANE Select); coding-DNA position 134, C replaced by T.
Protein change: p.Thr45Met; replaces threonine 45 with methionine.
Molecular consequence: missense variant.
Genome position (GRCh38, 1-based): chr22:28,734,588, G>A on the plus strand (C>T on the coding strand, the complement: CHEK2 is on the minus strand). VCF-style: chr22-28734588-G-A. GRCh37 (hg19) VCF-style: chr22-29130576-G-A.
Other names: c.134C>T, p.Thr45Met (NM_001005735.3, NM_001349956.3, NM_145862.3); c.-644C>T (NM_001257387.3); short protein forms T45M.
Identifiers: ClinVar variation 230559 (VCV000230559.37), dbSNP rs558321010, ClinGen allele CA10168070.
Genomic context (GRCh38, chr22:28,734,588, plus strand): 5'-GTCTCTAAGGAGCTCAGTGTCCCAGAGCTGGAGTGAGAGGACTGGCTGGAGTTTGGCATC[G>A]TGCTGGTAGAGGAGCTGGATATGCCCTGGGACTGTGAGGAGGAGCCTTGGGACTGGGTAA-3'
Protein context (NP_009125.1, residues 35-55): SQGISSSSTS[Thr45Met]MPNSSQSSHS